The following is an entry in ClinVar:

NC_012920.1(MT-CO1):m.7158A>G

Gene: MT-CO1 (mitochondrially encoded cytochrome c oxidase I; plus strand).
Variant type: single nucleotide variant.
Genome position: chrM-7158-A-G.
Identifiers: ClinVar variation 692711 (VCV000692711.1), dbSNP rs878887002, ClinGen allele CA337097561.

ClinVar aggregate classification (germline): Benign (1 of 4 stars; one submission).

Conditions:
Leigh syndrome (NULS). Also called: Leigh's necrotizing encephalopathy; Leigh's disease; Leigh Syndrome (mtDNA deletion); Leigh Disease; Subacute necrotizing encephalopathy; Necrotizing encephalopathy infantile subacute of Leigh. Identifiers: Orphanet 506, MedGen C2931891, MONDO:0009723, OMIM 256000.

Submission:

Wong Mito Lab, Molecular and Human Genetics, Baylor College of Medicine
Classification: Benign for Leigh syndrome. Last evaluated: 2019-10-17. Review status: criteria provided, single submitter. Criteria: Modified ACMG Guidelines (Unpublished). Collection method: clinical testing. Allele origin: germline.
Comment: The NC_012920.1:m.7158A>G (YP_003024028.1:p.Ile419Val) variant in MTCO1 gene is interpretated to be a Benign variant based on the modified ACMG guidelines (unpublished). This variant meets the following evidence codes: BS1, BS2